The following is an entry in ClinVar:

NM_015627.3(LDLRAP1):c.12C>G (p.Leu4=)

Genes: LDLRAP1 (low density lipoprotein receptor adaptor protein 1; plus strand), LOC129929773 (ATAC-STARR-seq lymphoblastoid silent region 456; plus strand). Cytogenetic location: 1p36.11.
Variant type: single nucleotide variant.
Coding change: c.12C>G on transcript NM_015627.3 (MANE Select); coding-DNA position 12, C replaced by G.
Protein change: p.Leu4=; no amino-acid change (leucine 4 retained).
Molecular consequence: synonymous variant.
Genome position (GRCh38, 1-based): chr1:25,543,710, C>G. VCF-style: chr1-25543710-C-G. GRCh37 (hg19) VCF-style: chr1-25870201-C-G.
Identifiers: ClinVar variation 3393017 (VCV003393017.1).

ClinVar aggregate classification (germline): Likely benign (1 of 4 stars; one submission).

Conditions:
Hypercholesterolemia, familial, 4 (FHCL4). Also called: HYPERCHOLESTEROLEMIA, AUTOSOMAL RECESSIVE, 1; HYPERCHOLESTEROLEMIA, AUTOSOMAL RECESSIVE, 2. Identifiers: Orphanet 391665, MedGen C1863512, MONDO:0011374, OMIM 603813.

gnomAD v4.1: 4 of 1,215,152 alleles (0.00033%); highest among the groups gnomAD compares: Non-Finnish European, 0.00041%; no homozygotes.

Submission:

GENinCode PLC
Classification: Likely benign for Hypercholesterolemia, familial, 4. Last evaluated: 2024-03-14. Review status: criteria provided, single submitter. Criteria: ACMG Guidelines, 2015. Collection method: clinical testing. Allele origin: germline.
Comment: This is a synonymous (silent) variant that is not predicted by SpliceAI to impact splicing. In addition, it occurs at a nucleotide that is not conserved. Therefore this variant has been classified as Likely Benign (BP4, BP7).